The following is an entry in ClinVar:

ClinVar aggregate classification (germline): Uncertain significance. Review status: criteria provided, multiple submitters, no conflicts (2 of 4 stars). 2 submissions from 2 submitters: Uncertain significance (2). Last evaluated 2025-04-04.

Conditions:
Inborn genetic diseases. Identifiers: MedGen C0950123, MeSH D030342.
Fanconi anemia complementation group A (FANCA). Also called: FANCA-Related Fanconi Anemia; Fanconi anemia, group A. Identifiers: Orphanet 84, MedGen C3469521, MONDO:0009215, OMIM 227650.

gnomAD v4.1: 4 of 1,614,126 alleles (0.00025%); highest among the groups gnomAD compares: African/African-American, 0.0027%; no homozygotes.

Submissions (2):

Ambry Genetics
Classification: Uncertain significance for Inborn genetic diseases. Last evaluated: 2025-04-04. Review status: criteria provided, single submitter. Criteria: Ambry Variant Classification Scheme 2023. Collection method: clinical testing. Allele origin: germline.
Comment: The p.G1062E variant (also known as c.3185G>A), located in coding exon 32 of the FANCA gene, results from a G to A substitution at nucleotide position 3185. The glycine at codon 1062 is replaced by glutamic acid, an amino acid with similar properties. This amino acid position is conserved. In addition, this alteration is predicted to be tolerated by in silico analysis. Based on the available evidence, the clinical significance of this variant remains unclear.

Fulgent Genetics
Classification: Uncertain significance for Fanconi anemia complementation group A. Last evaluated: 2024-04-02. Review status: criteria provided, single submitter. Criteria: ACMG Guidelines, 2015. Collection method: clinical testing. Allele origin: germline.

NM_000135.4(FANCA):c.3185G>A (p.Gly1062Glu)

Gene: FANCA (FA complementation group A; minus strand). Cytogenetic location: 16q24.3.
Variant type: single nucleotide variant.
Coding change: c.3185G>A on transcript NM_000135.4 (MANE Select); coding-DNA position 3185, G replaced by A.
Protein change: p.Gly1062Glu; replaces glycine 1062 with glutamic acid.
Molecular consequence: missense variant.
Genome position (GRCh38, 1-based): chr16:89,749,784, C>T on the plus strand (G>A on the coding strand, the complement: FANCA is on the minus strand). VCF-style: chr16-89749784-C-T. GRCh37 (hg19) VCF-style: chr16-89816192-C-T.
Other names: c.3185G>A, p.Gly1062Glu (NM_001286167.3); short protein forms G1062E.
Identifiers: ClinVar variation 3581471 (VCV003581471.2).